The following is an entry in ClinVar:

ClinVar aggregate classification (germline): Pathogenic/Likely pathogenic. Review status: criteria provided, multiple submitters, no conflicts (2 of 4 stars). 3 submissions from 3 submitters: Pathogenic (1); Likely pathogenic (2). Last evaluated 2023-09-27.

Conditions:
CHARGE syndrome (CHARGE). Also called: CHARGE ASSOCIATION--COLOBOMA, HEART ANOMALY, CHOANAL ATRESIA, RETARDATION, GENITAL AND EAR ANOMALIES; Hittner Hirsch Kreh syndrome; Coloboma, heart anomaly, choanal atresia, retardation, genital and ear anomalies; CHARGE association; Hall-Hittner syndrome. Identifiers: Orphanet 138, MedGen C0265354, MONDO:0008965.

Allele frequency attached by ClinVar (database versions not stated): gnomAD exomes below 0.00001.
gnomAD v4.1: 1 of 1,614,010 alleles (0.000062%); highest among the groups gnomAD compares: Non-Finnish European, 0.000085%; no homozygotes.

Submissions (3):

Labcorp Genetics (formerly Invitae), Labcorp
Classification: Pathogenic for CHARGE syndrome. Last evaluated: 2023-09-27. Review status: criteria provided, single submitter. Criteria: Invitae Variant Classification Sherloc (09022015). Collection method: clinical testing. Allele origin: germline.
Comment: For these reasons, this variant has been classified as Pathogenic. Experimental studies have shown that this missense change affects CHD7 function (PMID: 20453063). Advanced modeling of protein sequence and biophysical properties (such as structural, functional, and spatial information, amino acid conservation, physicochemical variation, residue mobility, and thermodynamic stability) performed at Invitae indicates that this missense variant is expected to disrupt CHD7 protein function. ClinVar contains an entry for this variant (Variation ID: 158309). This missense change has been observed in individual(s) with CHARGE syndrome (PMID: 16400610). In at least one individual the variant was observed to be de novo. This variant is not present in population databases (gnomAD no frequency). This sequence change replaces histidine, which is basic and polar, with arginine, which is basic and polar, at codon 2096 of the CHD7 protein (p.His2096Arg).

Genomic Diagnostic Laboratory, Division of Genomic Diagnostics, Children's Hospital of Philadelphia
Classification: Likely pathogenic for CHARGE syndrome. Last evaluated: 2016-09-05. Review status: criteria provided, single submitter. Criteria: DGD Variant Analysis Guidelines. Collection method: clinical testing. Allele origin: germline. Affected: yes. Observed: 1 variant allele.
Comment: Clinical Testing

Genetic Services Laboratory, University of Chicago
Classification: Likely pathogenic for CHARGE syndrome. Last evaluated: 2013-02-08. Review status: criteria provided, single submitter. Criteria: ACMG Guidelines, 2007. Collection method: clinical testing. Allele origin: germline. Inheritance: Autosomal dominant inheritance. Affected: yes.

Literature cited by the submitters: PubMed 20453063 (cited by Labcorp Genetics (formerly Invitae), Labcorp); PubMed 16400610 (cited by Labcorp Genetics (formerly Invitae), Labcorp).

NM_017780.4(CHD7):c.6287A>G (p.His2096Arg)

Gene: CHD7 (chromodomain helicase DNA binding protein 7; plus strand). Cytogenetic location: 8q12.2.
Variant type: single nucleotide variant.
Coding change: c.6287A>G on transcript NM_017780.4 (MANE Select); coding-DNA position 6287, A replaced by G.
Protein change: p.His2096Arg; replaces histidine 2096 with arginine.
Molecular consequence: missense variant. On other transcripts: intron variant (1).
Genome position (GRCh38, 1-based): chr8:60,853,012, A>G. VCF-style: chr8-60853012-A-G. GRCh37 (hg19) VCF-style: chr8-61765571-A-G.
Other names: c.6287A>G (LRG_176t1); c.1717-9217A>G (NM_001316690.1); short protein forms H2096R.
Identifiers: ClinVar variation 158309 (VCV000158309.10), dbSNP rs587783451, ClinGen allele CA271328.